The following is an entry in ClinVar:

NM_001844.5(COL2A1):c.1A>T (p.Met1Leu)

Gene: COL2A1 (collagen type II alpha 1 chain; minus strand). Cytogenetic location: 12q13.11.
Variant type: single nucleotide variant.
Coding change: c.1A>T on transcript NM_001844.5 (MANE Select); coding-DNA position 1, A replaced by T.
Protein change: p.Met1Leu; changes the start codon (methionine 1).
Molecular consequence: missense variant, initiator codon variant.
Genome position (GRCh38, 1-based): chr12:48,004,321, T>A on the plus strand (A>T on the coding strand, the complement: COL2A1 is on the minus strand). VCF-style: chr12-48004321-T-A. GRCh37 (hg19) VCF-style: chr12-48398104-T-A.
Other names: c.1A>T, p.Met1Leu (NM_033150.3); short protein forms M1L.
Identifiers: ClinVar variation 2125980 (VCV002125980.5), dbSNP rs2136652928, ClinGen allele CA384528520.

ClinVar aggregate classification (germline): Pathogenic (1 of 4 stars; one submission).

Submission:

Labcorp Genetics (formerly Invitae), Labcorp
Classification: Pathogenic. Last evaluated: 2024-09-30. Review status: criteria provided, single submitter. Criteria: Invitae Variant Classification Sherloc (09022015). Collection method: clinical testing. Allele origin: germline.
Comment: This sequence change affects the initiator methionine of the COL2A1 mRNA. The next in-frame methionine is located at codon 183. This variant is not present in population databases (gnomAD no frequency). Disruption of the initiator codon has been observed in individuals with Stickler syndrome (PMID: 17437277, 20513134). It has also been observed to segregate with disease in related individuals. ClinVar contains an entry for this variant (Variation ID: 2125980). This variant disrupts a region of the COL2A1 protein in which other variant(s) (p.Cys75Phe) have been observed in individuals with COL2A1-related conditions (internal data). This suggests that this is a clinically significant region of the protein, and that variants that disrupt it are likely to be disease-causing. For these reasons, this variant has been classified as Pathogenic.

Literature cited by the submitters: PubMed 17437277; PubMed 20513134.